The following is an entry in ClinVar:

NM_020778.5(ALPK3):c.909dup (p.Pro304fs)

Gene: ALPK3 (alpha kinase 3; plus strand). Cytogenetic location: 15q25.3.
Variant type: Duplication.
Coding change: c.909dup on transcript NM_020778.5 (MANE Select); coding-DNA position 909, one base duplicated (G; older notation c.909dupG).
Protein change: p.Pro304fs; shifts the reading frame from proline 304.
Molecular consequence: frameshift variant.
Genome position (GRCh38, 1-based): chr15:84,840,188, G duplicated; the last of 4 consecutive G bases (chr15:84,840,185-84,840,188); duplicating any one gives the same sequence. VCF-style (leftmost placement, unchanged base first): chr15-84840184-T-TG. GRCh37 (hg19) VCF-style: chr15-85383415-T-TG.
Other names: c.909dupG (NM_020778.5); short protein forms P304fs.
Identifiers: ClinVar variation 4849380 (VCV004849380.1).

ClinVar aggregate classification (germline): Likely pathogenic (1 of 4 stars; one submission).

Conditions:
Cardiomyopathy, familial hypertrophic 27. Identifiers: MedGen C4748014, MONDO:0054838, OMIM 618052.

Submission:

First Genomix Gene Laboratory, Genetic Diagnostics Department
Classification: Likely pathogenic for Cardiomyopathy, familial hypertrophic 27. Last evaluated: 2025-06-16. Review status: criteria provided, single submitter. Criteria: ACMG Guidelines, 2015. Collection method: clinical testing. Allele origin: germline. Inheritance: Autosomal recessive inheritance. Affected: no. Observed: 1 variant allele.